The following is an entry in ClinVar:

ClinVar aggregate classification (germline): Likely benign. Review status: criteria provided, single submitter (1 of 4 stars). 2 submissions from 2 submitters: Likely benign (1). 1 of the submissions does not count toward it. Last evaluated 2026-01-22.

Conditions:
Autosomal recessive limb-girdle muscular dystrophy type 2J (LGMDR10). Also called: Limb-girdle muscular dystrophy, type 2J; MUSCULAR DYSTROPHY, LIMB-GIRDLE, AUTOSOMAL RECESSIVE 10. Identifiers: Orphanet 140922, MedGen C1837342, MONDO:0012127, OMIM 608807.
Dilated cardiomyopathy 1G (CMD1G). Identifiers: Orphanet 154, MedGen C1858763, MONDO:0011400, OMIM 604145.
TTN-related disorder. Also called: TTN-related disorders; TTN-related condition; TTN-related disease.

Allele frequency attached by ClinVar (database versions not stated): TOPMed 0.00002; gnomAD 0.00003; gnomAD exomes 0.00003.
gnomAD v4.1: 39 of 1,549,522 alleles (0.0025%); highest among the groups gnomAD compares: Non-Finnish European, 0.0032%; no homozygotes.

Submissions (2):

Labcorp Genetics (formerly Invitae), Labcorp
Classification: Likely benign for Dilated cardiomyopathy 1G; Autosomal recessive limb-girdle muscular dystrophy type 2J. Last evaluated: 2026-01-22. Review status: criteria provided, single submitter. Criteria: Invitae Variant Classification Sherloc (09022015). Collection method: clinical testing. Allele origin: germline.

PreventionGenetics, part of Exact Sciences
Classification: Likely benign for TTN-related condition. Last evaluated: 2023-10-10. Review status: no assertion criteria provided. Collection method: clinical testing. Allele origin: germline. Not counted in ClinVar's aggregate classification.
Comment: This variant is classified as likely benign based on ACMG/AMP sequence variant interpretation guidelines (Richards et al. 2015 PMID: 25741868, with internal and published modifications).

NM_001267550.2(TTN):c.40092G>A (p.Lys13364=)

Gene: TTN (titin; minus strand). Cytogenetic location: 2q31.2.
Variant type: single nucleotide variant.
Coding change: c.40092G>A on transcript NM_001267550.2 (MANE Select); coding-DNA position 40092, G replaced by A.
Protein change: p.Lys13364=; no amino-acid change (lysine 13364 retained).
Molecular consequence: synonymous variant. On other transcripts: intron variant (5).
Genome position (GRCh38, 1-based): chr2:178,647,430, C>T on the plus strand (G>A on the coding strand, the complement: TTN is on the minus strand). VCF-style: chr2-178647430-C-T. GRCh37 (hg19) VCF-style: chr2-179512157-C-T.
Other names: c.13283-5113G>A (NM_003319.4); c.13859-5113G>A (NM_133437.4); c.13658-5113G>A (NM_133432.3); c.32594-1400G>A (NM_133378.4); c.35375-1400G>A (NM_001256850.1).
Identifiers: ClinVar variation 1124197 (VCV001124197.11), dbSNP rs1424521442, ClinGen allele CA430103412.